The following is an entry in ClinVar:

NM_000553.6(WRN):c.3351G>C (p.Lys1117Asn)

Gene: WRN (WRN RecQ like helicase; plus strand). Cytogenetic location: 8p12.
Variant type: single nucleotide variant.
Coding change: c.3351G>C on transcript NM_000553.6 (MANE Select); coding-DNA position 3351, G replaced by C.
Protein change: p.Lys1117Asn; replaces lysine 1117 with asparagine.
Molecular consequence: missense variant.
Genome position (GRCh38, 1-based): chr8:31,143,591, G>C. VCF-style: chr8-31143591-G-C. GRCh37 (hg19) VCF-style: chr8-31001107-G-C.
Other names: short protein forms K1117N.
Identifiers: ClinVar variation 1053483 (VCV001053483.1), dbSNP rs774886450, ClinGen allele CA370924112.
Genomic context (GRCh38, chr8:31,143,591, plus strand): 5'-TTTATATGTTTAAATGCAGTCTAACTTGGAGAAGTTATATTCTTATAAACCATGTGATAA[G>C]ATTTCTTCTGGGAGTAACATTTCTAAAAAAAGGTACAGAGTTCCATATTTCTATGTTCTA-3'
Protein context (NP_000544.2, residues 1107-1127): EKLYSYKPCD[Lys1117Asn]ISSGSNISKK

ClinVar aggregate classification (germline): Uncertain significance (1 of 4 stars; one submission).

Conditions:
Werner syndrome (WRN). Identifiers: Orphanet 902, MedGen C0043119, MONDO:0010196, OMIM 277700.

Allele frequency attached by ClinVar (database versions not stated): gnomAD exomes below 0.00001.
gnomAD v4.1: 2 of 1,590,820 alleles (0.00013%); highest among the groups gnomAD compares: Non-Finnish European, 0.00017%; no homozygotes.

Submission:

Labcorp Genetics (formerly Invitae), Labcorp
Classification: Uncertain significance for Werner syndrome. Last evaluated: 2020-10-19. Review status: criteria provided, single submitter. Criteria: Invitae Variant Classification Sherloc (09022015). Collection method: clinical testing. Allele origin: germline.
Comment: This sequence change replaces lysine with asparagine at codon 1117 of the WRN protein (p.Lys1117Asn). The lysine residue is moderately conserved and there is a moderate physicochemical difference between lysine and asparagine. This variant is not present in population databases (ExAC no frequency). This variant has not been reported in the literature in individuals with WRN-related conditions. Algorithms developed to predict the effect of missense changes on protein structure and function output the following: SIFT: Not Available; PolyPhen-2: Benign; Align-GVGD: Not Available. The asparagine amino acid residue is found in multiple mammalian species, suggesting that this missense change does not adversely affect protein function. These predictions have not been confirmed by published functional studies and their clinical significance is uncertain. In summary, the available evidence is currently insufficient to determine the role of this variant in disease. Therefore, it has been classified as a Variant of Uncertain Significance.